The following is an entry in ClinVar:

NM_007294.4(BRCA1):c.2030G>T (p.Gly677Val)

Gene: BRCA1 (BRCA1 DNA repair associated; minus strand). Cytogenetic location: 17q21.31.
Variant type: single nucleotide variant.
Coding change: c.2030G>T on transcript NM_007294.4 (MANE Select); coding-DNA position 2030, G replaced by T.
Protein change: p.Gly677Val; replaces glycine 677 with valine.
Molecular consequence: missense variant. On other transcripts: intron variant (137).
Genome position (GRCh38, 1-based): chr17:43,093,501, C>A on the plus strand (G>T on the coding strand, the complement: BRCA1 is on the minus strand). VCF-style: chr17-43093501-C-A. GRCh37 (hg19) VCF-style: chr17-41245518-C-A.
Other names: c.1952G>T, p.Gly651Val (NM_001407653.1, NM_001407654.1, NM_001407655.1 and 4 more transcripts); c.784+1243G>T (NM_001407986.1, NM_001407972.1, NM_001408397.1 and 13 more transcripts); c.664+1243G>T (NM_001408441.1, NM_001408437.1, NM_001408429.1 and 12 more transcripts); c.787+1243G>T (NM_001407979.1, NM_001407977.1, NM_001407980.1 and 19 more transcripts); c.646+1243G>T (NM_001408410.1, NM_001408458.1, NM_001408469.1 and 11 more transcripts); c.709+1243G>T (NM_001408415.1, NM_001408412.1, NM_001408409.1 and 2 more transcripts); c.577+1243G>T (NM_001408483.1, NM_001408481.1, NM_001408480.1 and 9 more transcripts); c.1949G>T, p.Gly650Val (NM_001407661.1, NM_001407660.1, NM_001407659.1 and 1 more transcripts); and 40 more; short protein forms G381V, G509V, G607V, G609V, G629V, G565V, G566V, G606V.
Identifiers: ClinVar variation 2823978 (VCV002823978.3), dbSNP rs2154403019, ClinGen allele CA10597948.

ClinVar aggregate classification (germline): Uncertain significance (1 of 4 stars; one submission).

Conditions:
Hereditary breast ovarian cancer syndrome. Also called: Hereditary breast and/or ovarian cancer syndrome; Hereditary breast and ovarian cancer; Hereditary breast and ovarian cancer syndrome; Breast and ovarian cancer; Hereditary breast and ovarian cancer syndrome (HBOC); BRCA1- and BRCA2-Associated Hereditary Breast and Ovarian Cancer. Identifiers: Orphanet 145, MedGen C0677776, MeSH D061325, MONDO:0003582. Disease mechanism: loss of function.

Submission:

Labcorp Genetics (formerly Invitae), Labcorp
Classification: Uncertain significance for Hereditary breast ovarian cancer syndrome. Last evaluated: 2022-12-25. Review status: criteria provided, single submitter. Criteria: Invitae Variant Classification Sherloc (09022015). Collection method: clinical testing. Allele origin: germline.
Comment: Advanced modeling of protein sequence and biophysical properties (such as structural, functional, and spatial information, amino acid conservation, physicochemical variation, residue mobility, and thermodynamic stability) performed at Invitae indicates that this missense variant is not expected to disrupt BRCA1 protein function. This variant has not been reported in the literature in individuals affected with BRCA1-related conditions. This variant is not present in population databases (gnomAD no frequency). This sequence change replaces glycine, which is neutral and non-polar, with valine, which is neutral and non-polar, at codon 677 of the BRCA1 protein (p.Gly677Val). In summary, the available evidence is currently insufficient to determine the role of this variant in disease. Therefore, it has been classified as a Variant of Uncertain Significance.